The following is an entry in ClinVar:

ClinVar aggregate classification (germline): Conflicting classifications of pathogenicity. Review status: criteria provided, conflicting classifications (1 of 4 stars). 2 submissions from 2 submitters: Uncertain significance (1); Likely benign (1). Last evaluated 2025-05-06.

gnomAD v4.1: 32 of 1,610,946 alleles (0.002%); highest among the groups gnomAD compares: Non-Finnish European, 0.0024%; no homozygotes.

Submissions (2):

Ambry Genetics
Classification: Likely benign. Last evaluated: 2025-05-06. Review status: criteria provided, single submitter. Criteria: Ambry Variant Classification Scheme 2023. Collection method: clinical testing. Allele origin: germline.

Labcorp Genetics (formerly Invitae), Labcorp
Classification: Uncertain significance. Last evaluated: 2024-10-31. Review status: criteria provided, single submitter. Criteria: Invitae Variant Classification Sherloc (09022015). Collection method: clinical testing. Allele origin: germline.
Comment: This sequence change replaces threonine, which is neutral and polar, with methionine, which is neutral and non-polar, at codon 408 of the NUP133 protein (p.Thr408Met). The frequency data for this variant in the population databases is considered unreliable, as metrics indicate poor data quality at this position in the gnomAD database. This variant has not been reported in the literature in individuals affected with NUP133-related conditions. An algorithm developed to predict the effect of missense changes on protein structure and function outputs the following: PolyPhen-2: "Benign". The methionine amino acid residue is found in multiple mammalian species, which suggests that this missense change does not adversely affect protein function. In summary, the available evidence is currently insufficient to determine the role of this variant in disease. Therefore, it has been classified as a Variant of Uncertain Significance.

NM_018230.3(NUP133):c.1223C>T (p.Thr408Met)

Gene: NUP133 (nucleoporin 133; minus strand). Cytogenetic location: 1q42.13.
Variant type: single nucleotide variant.
Coding change: c.1223C>T on transcript NM_018230.3 (MANE Select); coding-DNA position 1223, C replaced by T.
Protein change: p.Thr408Met; replaces threonine 408 with methionine.
Molecular consequence: missense variant.
Genome position (GRCh38, 1-based): chr1:229,487,585, G>A on the plus strand (C>T on the coding strand, the complement: NUP133 is on the minus strand). VCF-style: chr1-229487585-G-A. GRCh37 (hg19) VCF-style: chr1-229623332-G-A.
Other names: c.1223C>T (NM_018230.2); short protein forms T408M.
Identifiers: ClinVar variation 3628232 (VCV003628232.3).